The following is an entry in ClinVar:

ClinVar aggregate classification (germline): Likely benign. Review status: criteria provided, single submitter (1 of 4 stars). 2 submissions from 2 submitters: Likely benign (1). 1 of the submissions does not count toward it. Last evaluated 2025-01-01.

Conditions:
RAD51B-related disorder. Also called: RAD51B-related condition.

Submissions (2):

CeGaT Center for Human Genetics Tuebingen
Classification: Likely benign. Last evaluated: 2025-01-01. Review status: criteria provided, single submitter. Criteria: CeGaT Center For Human Genetics Tuebingen Variant Classification Criteria Version 2. Collection method: clinical testing. Allele origin: germline. Affected: yes. Observed: 1 variant allele.
Comment: RAD51B: BS2

PreventionGenetics, part of Exact Sciences
Classification: Likely benign for RAD51B-related condition. Last evaluated: 2019-09-13. Review status: no assertion criteria provided. Collection method: clinical testing. Allele origin: germline. Not counted in ClinVar's aggregate classification.
Comment: This variant is classified as likely benign based on ACMG/AMP sequence variant interpretation guidelines (Richards et al. 2015 PMID: 25741868, with internal and published modifications).

NM_133510.4(RAD51B):c.316-17_316-3del

Gene: RAD51B (RAD51 paralog B; plus strand). Cytogenetic location: 14q24.1.
Variant type: Deletion.
Coding change: c.316-17_316-3del on transcript NM_133510.4 (MANE Select); 17 bases into the intron before coding-DNA position 316 through 3 bases into the intron before coding-DNA position 316, 15 bases deleted (TTTTTTTTTTTTTTT).
Molecular consequence: intron variant.
Genome position (GRCh38, 1-based): chr14:67,864,986-67,865,000, TTTTTTTTTTTTTTT deleted; deleting any 15 consecutive bases within chr14:67,864,962-67,865,000 gives the same sequence; the c. name uses the placement nearest the transcript's 3' end. VCF-style (leftmost placement, unchanged base first): chr14-67864961-CTTTTTTTTTTTTTTT-C. GRCh37 (hg19) VCF-style: chr14-68331678-CTTTTTTTTTTTTTTT-C.
Other names: c.316-17_316-3del (NM_001321818.2, NM_001321809.2, NM_001321821.2 and 6 more transcripts); c.-42-17_-42-3del (NM_001321817.2); c.202-17_202-3del (NM_001321815.1).
Identifiers: ClinVar variation 3056035 (VCV003056035.15), dbSNP rs745505141, ClinGen allele CA707973620.